The following is an entry in ClinVar:

ClinVar aggregate classification (germline): Uncertain significance. Review status: criteria provided, multiple submitters, no conflicts (2 of 4 stars). 6 submissions from 6 submitters: Uncertain significance (6). Last evaluated 2026-07-06.

Conditions:
Congenital multicore myopathy with external ophthalmoplegia (CMYO1B). Also called: MULTICORE MYOPATHY; Congenital myopathy 1B, autosomal recessive; Minicore myopathy; MULTIMINICORE DISEASE WITH EXTERNAL OPHTHALMOPLEGIA; Minicore myopathy with external ophthalmoplegia. Identifiers: Orphanet 598, Orphanet 98905, MedGen C1850674, MONDO:0009712, OMIM 255320, HP:0003789.
Congenital myopathy with fiber type disproportion. Also called: Congenital fiber-type disproportion myopathy; Congenital fiber-type disproportion. Identifiers: Orphanet 2020, MedGen C0546264, MONDO:0009711. Inheritance: all.
Malignant hyperthermia, susceptibility to, 1 (MHS1). Also called: RYR1-Related Malignant Hyperthermia Susceptibility; Malignant hyperthermia suceptibility 1; Anesthesia related hyperthermia; Malignant hyperpyrexia; Fulminating hyperpyrexia; Pharmacogenic myopathy. Identifiers: Orphanet 423, MedGen C2930980, MONDO:0007783, OMIM 145600.
Central core myopathy (CMYO1A). Also called: CONGENITAL MYOPATHY 1A, AUTOSOMAL DOMINANT, WITH SUSCEPTIBILITY TO MALIGNANT HYPERTHERMIA; Central core disease; Myopathy, central fibrillar. Identifiers: Orphanet 597, MedGen C5830701, MONDO:0007294, OMIM 117000.
King Denborough syndrome (KDS). Identifiers: MedGen C1840365, MONDO:0020485, OMIM 619542.
RYR1-related disorder. Also called: RYR1-related disorders; RYR1-related condition. Identifiers: MedGen CN239331.

Allele frequency attached by ClinVar (database versions not stated): gnomAD exomes 0.00007; gnomAD 0.00002.
gnomAD v4.1: 46 of 1,385,960 alleles (0.0033%); highest among the groups gnomAD compares: Non-Finnish European, 0.0042%; no homozygotes.

Submissions (6):

PreventionGenetics, part of Exact Sciences
Classification: Uncertain significance for RYR1-related condition. Last evaluated: 2026-07-06. Review status: criteria provided, single submitter. Criteria: ACMG Guidelines, 2015. Collection method: clinical testing. Allele origin: germline.
Comment: The RYR1 c.13313T>G variant is predicted to result in the amino acid substitution p.Val4438Gly. This variant has been reported in cohort of individuals with suspected RYR1-related myopathies; however, detailed clinical information was not available (Supplementary data, Kushnir et al. 2020. PubMed ID: 32236737). This variant has also been reported in an individual with exertional heat stroke and positive response to the malignant hyperthermia in vitro contracture test (Roux-Buisson et al. 2016. PubMed ID: 26994242). This variant is reported in 0.011% of alleles in individuals of African descent in gnomAD. At this time, the clinical significance of this variant is uncertain due to the absence of conclusive functional and genetic evidence.

Women's Health and Genetics/Laboratory Corporation of America, LabCorp
Classification: Uncertain significance. Last evaluated: 2024-11-26. Review status: criteria provided, single submitter. Criteria: LabCorp Variant Classification Summary - May 2015. Collection method: clinical testing. Allele origin: germline.
Comment: Variant summary: RYR1 c.13313T>G (p.Val4438Gly) results in a non-conservative amino acid change located in the Ryanodine Receptor TM 4-6 (IPR009460) of the encoded protein sequence. Four of five in-silico tools predict a benign effect of the variant on protein function. The variant allele was found at a frequency of 7.4e-05 in 13588 control chromosomes. The available data on variant occurrences in the general population are insufficient to allow any conclusion about variant significance. c.13313T>G has been reported in the literature in individuals affected with Malignant hyperthermia (Roux-Buisson_2016). These data do not allow any conclusion about variant significance. To our knowledge, no experimental evidence demonstrating an impact on protein function has been reported. The following publication have been ascertained in the context of this evaluation (PMID: 26994242). ClinVar contains an entry for this variant (Variation ID: 590429). Based on the evidence outlined above, the variant was classified as uncertain significance.

Blueprint Genetics
Classification: Uncertain significance. Last evaluated: 2024-10-30. Review status: criteria provided, single submitter. Criteria: ACMG Guidelines, 2015. Collection method: clinical testing. Allele origin: germline.

Labcorp Genetics (formerly Invitae), Labcorp
Classification: Uncertain significance for RYR1-related disorder. Last evaluated: 2024-06-05. Review status: criteria provided, single submitter. Criteria: Invitae Variant Classification Sherloc (09022015). Collection method: clinical testing. Allele origin: germline.
Comment: This sequence change replaces valine, which is neutral and non-polar, with glycine, which is neutral and non-polar, at codon 4438 of the RYR1 protein (p.Val4438Gly). This variant is present in population databases (no rsID available, gnomAD 0.01%). This variant has not been reported in the literature in individuals affected with RYR1-related conditions. ClinVar contains an entry for this variant (Variation ID: 590429). Advanced modeling of protein sequence and biophysical properties (such as structural, functional, and spatial information, amino acid conservation, physicochemical variation, residue mobility, and thermodynamic stability) performed at Invitae indicates that this missense variant is not expected to disrupt RYR1 protein function with a negative predictive value of 95%. In summary, the available evidence is currently insufficient to determine the role of this variant in disease. Therefore, it has been classified as a Variant of Uncertain Significance.

CeGaT Center for Human Genetics Tuebingen
Classification: Uncertain significance. Last evaluated: 2023-11-01. Review status: criteria provided, single submitter. Criteria: CeGaT Center For Human Genetics Tuebingen Variant Classification Criteria Version 2. Collection method: clinical testing. Allele origin: germline. Affected: yes. Observed: 1 variant allele.
Comment: RYR1: PM2

Fulgent Genetics
Classification: Uncertain significance for Central core myopathy; Malignant hyperthermia, susceptibility to, 1; Congenital myopathy 4A, autosomal dominant; Congenital multicore myopathy with external ophthalmoplegia; King Denborough syndrome. Last evaluated: 2021-08-11. Review status: criteria provided, single submitter. Criteria: ACMG Guidelines, 2015. Collection method: clinical testing. Allele origin: unknown.

Literature cited by the submitters: PubMed 26994242 (cited by Women's Health and Genetics/Laboratory Corporation of America, LabCorp).

NM_000540.3(RYR1):c.13313T>G (p.Val4438Gly)

Genes: RYR1 (ryanodine receptor 1; plus strand), LOC130064357 (ATAC-STARR-seq lymphoblastoid silent region 10577; plus strand). Cytogenetic location: 19q13.2.
Variant type: single nucleotide variant.
Coding change: c.13313T>G on transcript NM_000540.3 (MANE Select); coding-DNA position 13313, T replaced by G.
Protein change: p.Val4438Gly; replaces valine 4438 with glycine.
Molecular consequence: missense variant.
Genome position (GRCh38, 1-based): chr19:38,565,647, T>G. VCF-style: chr19-38565647-T-G. GRCh37 (hg19) VCF-style: chr19-39056287-T-G.
Other names: c.13298T>G, p.Val4433Gly (NM_001042723.2); short protein forms V4438G, V4433G.
Identifiers: ClinVar variation 590429 (VCV000590429.39), dbSNP rs1328605630, ClinGen allele CA405674939.